The following is an entry in ClinVar:

NM_145290.4(ADGRA3):c.64T>G (p.Leu22Val)

Gene: ADGRA3 (adhesion G protein-coupled receptor A3; minus strand). Cytogenetic location: 4p15.2.
Variant type: single nucleotide variant.
Coding change: c.64T>G on transcript NM_145290.4 (MANE Select); coding-DNA position 64, T replaced by G.
Protein change: p.Leu22Val; replaces leucine 22 with valine.
Molecular consequence: missense variant.
Genome position (GRCh38, 1-based): chr4:22,515,721, A>C on the plus strand (T>G on the coding strand, the complement: ADGRA3 is on the minus strand). VCF-style: chr4-22515721-A-C. GRCh37 (hg19) VCF-style: chr4-22517344-A-C.
Other names: short protein forms L22V.
Identifiers: ClinVar variation 1507730 (VCV001507730.6), dbSNP rs1188365810, ClinGen allele CA356507918.

ClinVar aggregate classification (germline): Uncertain significance (1 of 4 stars; one submission).

Allele frequency attached by ClinVar (database versions not stated): gnomAD exomes below 0.00001 and 0.00022.
gnomAD v4.1: 1 of 1,057,568 alleles (0.000095%); highest among the groups gnomAD compares: Non-Finnish European, 0.00011%; no homozygotes.

Submission:

Labcorp Genetics (formerly Invitae), Labcorp
Classification: Uncertain significance. Last evaluated: 2022-07-18. Review status: criteria provided, single submitter. Criteria: Invitae Variant Classification Sherloc (09022015). Collection method: clinical testing. Allele origin: germline.
Comment: Algorithms developed to predict the effect of sequence changes on RNA splicing suggest that this variant may create or strengthen a splice site. Algorithms developed to predict the effect of missense changes on protein structure and function are either unavailable or do not agree on the potential impact of this missense change (SIFT: "Tolerated"; PolyPhen-2: "Not Available"; Align-GVGD: "Class C0"). ClinVar contains an entry for this variant (Variation ID: 1507730). This variant has not been reported in the literature in individuals affected with ADGRA3-related conditions. This variant is present in population databases (no rsID available, gnomAD 0.04%). This sequence change replaces leucine, which is neutral and non-polar, with valine, which is neutral and non-polar, at codon 22 of the ADGRA3 protein (p.Leu22Val). In summary, the available evidence is currently insufficient to determine the role of this variant in disease. Therefore, it has been classified as a Variant of Uncertain Significance.